The following is an entry in ClinVar:

NM_001042492.3(NF1):c.1196C>T (p.Ala399Val)

Gene: NF1 (neurofibromin 1; plus strand). Cytogenetic location: 17q11.2.
Variant type: single nucleotide variant.
Coding change: c.1196C>T on transcript NM_001042492.3 (MANE Select); coding-DNA position 1196, C replaced by T.
Protein change: p.Ala399Val; replaces alanine 399 with valine.
Molecular consequence: missense variant.
Genome position (GRCh38, 1-based): chr17:31,201,421, C>T. VCF-style: chr17-31201421-C-T. GRCh37 (hg19) VCF-style: chr17-29528439-C-T.
Other names: c.1196C>T, p.Ala399Val (NM_001128147.3, NM_000267.4); short protein forms A399V.
Identifiers: ClinVar variation 3629178 (VCV003629178.3).
Genomic context (GRCh38, chr17:31,201,421, plus strand): 5'-GAGTATTTTTCTCATAGAAATAATCTGCTTTTTTTTTTCTTTTTCTATAGATCTGCCTGG[C>T]TCAGAATTCACCTTCTACATTTCACTATGTGCTGGTAAATTCACTCCATCGAATCATCAC-3'
Protein context (NP_001035957.1, residues 389-409): HNNQHFKICL[Ala399Val]QNSPSTFHYV

ClinVar aggregate classification (germline): Uncertain significance. Review status: criteria provided, multiple submitters, no conflicts (2 of 4 stars). 2 submissions from 2 submitters: Uncertain significance (2). Last evaluated 2025-05-04.

Conditions:
Neurofibromatosis, type 1 (NF1). Also called: VON RECKLINGHAUSEN DISEASE; Peripheral type neurofibromatosis; NEUROFIBROMATOSIS, TYPE I, SOMATIC; Neurofibromatosis, type I. Identifiers: Orphanet 636, MedGen C0027831, MONDO:0018975, OMIM 162200. Disease mechanism: loss of function.
Cardiovascular phenotype. Identifiers: MedGen CN230736.
Hereditary cancer-predisposing syndrome. Also called: Hereditary Cancer Syndrome; Hereditary neoplastic syndrome; Neoplastic Syndromes, Hereditary; Tumor predisposition. Identifiers: Orphanet 140162, MedGen C0027672, MeSH D009386, MONDO:0015356.

Submissions (2):

Ambry Genetics
Classification: Uncertain significance for Cardiovascular phenotype; Hereditary cancer-predisposing syndrome. Last evaluated: 2025-05-04. Review status: criteria provided, single submitter. Criteria: Ambry Variant Classification Scheme 2023. Collection method: clinical testing. Allele origin: germline.
Comment: The p.A399V variant (also known as c.1196C>T), located in coding exon 11 of the NF1 gene, results from a C to T substitution at nucleotide position 1196. The alanine at codon 399 is replaced by valine, an amino acid with similar properties. This amino acid position is conserved. In addition, the in silico prediction for this alteration is inconclusive. Based on the available evidence, the clinical significance of this variant remains unclear.

Labcorp Genetics (formerly Invitae), Labcorp
Classification: Uncertain significance for Neurofibromatosis, type 1. Last evaluated: 2025-03-11. Review status: criteria provided, single submitter. Criteria: Invitae Variant Classification Sherloc (09022015). Collection method: clinical testing. Allele origin: germline.
Comment: This sequence change replaces alanine, which is neutral and non-polar, with valine, which is neutral and non-polar, at codon 399 of the NF1 protein (p.Ala399Val). This variant is not present in population databases (gnomAD no frequency). This variant has not been reported in the literature in individuals affected with NF1-related conditions. Invitae Evidence Modeling of protein sequence and biophysical properties (such as structural, functional, and spatial information, amino acid conservation, physicochemical variation, residue mobility, and thermodynamic stability) has been performed for this missense variant. However, the output from this modeling did not meet the statistical confidence thresholds required to predict the impact of this variant on NF1 protein function. In summary, the available evidence is currently insufficient to determine the role of this variant in disease. Therefore, it has been classified as a Variant of Uncertain Significance.